The following is an entry in ClinVar:

NM_001142864.4(PIEZO1):c.64+1G>T

Gene: PIEZO1 (piezo type mechanosensitive ion channel component 1 (Er blood group); minus strand). Cytogenetic location: 16q24.3.
Variant type: single nucleotide variant.
Coding change: c.64+1G>T on transcript NM_001142864.4 (MANE Select); the canonical splice donor site of the intron after coding-DNA position 64, G replaced by T.
Molecular consequence: splice donor variant.
Genome position (GRCh38, 1-based): chr16:88,784,900, C>A on the plus strand (G>T on the coding strand, the complement: PIEZO1 is on the minus strand). VCF-style: chr16-88784900-C-A. GRCh37 (hg19) VCF-style: chr16-88851308-C-A.
Identifiers: ClinVar variation 5005659 (VCV005005659.2).

ClinVar aggregate classification (germline): Likely pathogenic (1 of 4 stars; one submission).

Conditions:
Blood group, ER (ER). Also called: ER BLOOD GROUP SYSTEM. Identifiers: MedGen C5703066, OMIM 620207.
Dehydrated hereditary stomatocytosis with or without pseudohyperkalemia and/or perinatal edema (DHS1). Also called: Dehydrated hereditary stomatocytosis 1 with or without pseudohyperkalemia and/or perinatal edema; PSEUDOHYPERKALEMIA EDINBURGH; DEHYDRATED HEREDITARY STOMATOCYTOSIS AND PSEUDOHYPERKALEMIA; DEHYDRATED HEREDITARY STOMATOCYTOSIS WITH PSEUDOHYPERKALEMIA AND PERINATAL EDEMA; Pseudohyperkalemia, familial, 1, due to red cell leak. Identifiers: Orphanet 3202, MedGen C4551512, MONDO:0008689, OMIM 194380.
Lymphatic malformation 6 (LMPHM6). Also called: PIEZO1-related generalized lymphatic dysplasia with non-immune hydrops fetalis; GENERALIZED LYMPHATIC DYSPLASIA OF FOTIOU; Lymphedema, hereditary, III. Identifiers: Orphanet 568062, MedGen C4225184, MONDO:0014797, OMIM 616843.

Submission:

Juno Genomics, Hangzhou Juno Genomics, Inc
Classification: Likely pathogenic for Blood group, ER; Dehydrated hereditary stomatocytosis with or without pseudohyperkalemia and/or perinatal edema; Lymphatic malformation 6. Review status: criteria provided, single submitter. Criteria: ACMG Guidelines, 2015. Collection method: clinical testing. Allele origin: germline.
Comment: Null variant in a gene where loss of function (LOF) is a known mechanism of disease.;Absent from controls (or at extremely low frequency if recessive) in Genome Aggregation Database.